The following is an entry in ClinVar:

NM_000760.4(CSF3R):c.1276G>A (p.Glu426Lys)

Gene: CSF3R (colony stimulating factor 3 receptor; minus strand). Cytogenetic location: 1p34.3.
Variant type: single nucleotide variant.
Coding change: c.1276G>A on transcript NM_000760.4 (MANE Select); coding-DNA position 1276, G replaced by A.
Protein change: p.Glu426Lys; replaces glutamic acid 426 with lysine.
Molecular consequence: missense variant.
Genome position (GRCh38, 1-based): chr1:36,471,442, C>T on the plus strand (G>A on the coding strand, the complement: CSF3R is on the minus strand). VCF-style: chr1-36471442-C-T. GRCh37 (hg19) VCF-style: chr1-36937043-C-T.
Other names: c.1276G>A, p.Glu426Lys (NM_156039.3, NM_172313.3); short protein forms E426K.
Identifiers: ClinVar variation 4853063 (VCV004853063.1).

ClinVar aggregate classification (germline): Uncertain significance (1 of 4 stars; one submission).

gnomAD v4.1: 3 of 1,613,976 alleles (0.00019%); highest among the groups gnomAD compares: African/African-American, 0.0013%; no homozygotes.

Submission:

Women's Health and Genetics/Laboratory Corporation of America, LabCorp
Classification: Uncertain significance. Last evaluated: 2026-05-14. Review status: criteria provided, single submitter. Criteria: LabCorp Variant Classification Summary - May 2015. Collection method: clinical testing. Allele origin: germline.
Comment: Variant summary: CSF3R c.1276G>A (p.Glu426Lys) results in a conservative amino acid change in the encoded protein sequence. Algorithms developed to predict the effect of missense changes on protein structure and function all suggest that this variant is likely to be tolerated. The variant was absent in 251220 control chromosomes. The available data on variant occurrences in the general population are insufficient to allow any conclusion about variant significance. To our knowledge, no occurrence of c.1276G>A in individuals affected with CSF3R-related conditions and no experimental evidence demonstrating its impact on protein function have been reported. No submitters have cited clinical-significance assessments for this variant to ClinVar. Based on the evidence outlined above, the variant was classified as uncertain significance.